The following is an entry in ClinVar:

NM_004064.5(CDKN1B):c.313G>A (p.Glu105Lys)

Gene: CDKN1B (cyclin dependent kinase inhibitor 1B; plus strand). Cytogenetic location: 12p13.1.
Variant type: single nucleotide variant.
Coding change: c.313G>A on transcript NM_004064.5 (MANE Select); coding-DNA position 313, G replaced by A.
Protein change: p.Glu105Lys; replaces glutamic acid 105 with lysine.
Molecular consequence: missense variant.
Genome position (GRCh38, 1-based): chr12:12,718,152, G>A. VCF-style: chr12-12718152-G-A. GRCh37 (hg19) VCF-style: chr12-12871086-G-A.
Other names: c.313G>A (NM_004064.3); short protein forms E105K.
Identifiers: ClinVar variation 1944683 (VCV001944683.6), dbSNP rs2136356107, ClinGen allele CA383970175.

ClinVar aggregate classification (germline): Uncertain significance. Review status: criteria provided, multiple submitters, no conflicts (2 of 4 stars). 2 submissions from 2 submitters: Uncertain significance (2). Last evaluated 2025-03-06.

Conditions:
Hereditary cancer-predisposing syndrome. Also called: Neoplastic Syndromes, Hereditary; Hereditary neoplastic syndrome; Tumor predisposition; Hereditary Cancer Syndrome. Identifiers: Orphanet 140162, MedGen C0027672, MeSH D009386, MONDO:0015356.
Multiple endocrine neoplasia type 4. Also called: MULTIPLE ENDOCRINE NEOPLASIA, TYPE IV. Identifiers: Orphanet 276152, MedGen C1970712, MONDO:0012552, OMIM 610755.

Submissions (2):

Ambry Genetics
Classification: Uncertain significance for Hereditary cancer-predisposing syndrome. Last evaluated: 2025-03-06. Review status: criteria provided, single submitter. Criteria: Ambry Variant Classification Scheme 2023. Collection method: clinical testing. Allele origin: germline.
Comment: The p.E105K variant (also known as c.313G>A), located in coding exon 1 of the CDKN1B gene, results from a G to A substitution at nucleotide position 313. The glutamic acid at codon 105 is replaced by lysine, an amino acid with similar properties. This amino acid position is conserved. In addition, this alteration is predicted to be tolerated by in silico analysis. Based on the available evidence, the clinical significance of this variant remains unclear.

Labcorp Genetics (formerly Invitae), Labcorp
Classification: Uncertain significance for Multiple endocrine neoplasia type 4. Last evaluated: 2024-05-22. Review status: criteria provided, single submitter. Criteria: Invitae Variant Classification Sherloc (09022015). Collection method: clinical testing. Allele origin: germline.
Comment: This sequence change replaces glutamic acid, which is acidic and polar, with lysine, which is basic and polar, at codon 105 of the CDKN1B protein (p.Glu105Lys). This variant is not present in population databases (gnomAD no frequency). This variant has not been reported in the literature in individuals affected with CDKN1B-related conditions. ClinVar contains an entry for this variant (Variation ID: 1944683). An algorithm developed to predict the effect of missense changes on protein structure and function (PolyPhen-2) suggests that this variant is likely to be tolerated. In summary, the available evidence is currently insufficient to determine the role of this variant in disease. Therefore, it has been classified as a Variant of Uncertain Significance.